The following is an entry in ClinVar:

NM_004999.4(MYO6):c.1029C>T (p.Gly343=)

Gene: MYO6 (myosin VI; plus strand). Cytogenetic location: 6q14.1.
Variant type: single nucleotide variant.
Coding change: c.1029C>T on transcript NM_004999.4 (MANE Select); coding-DNA position 1029, C replaced by T.
Protein change: p.Gly343=; no amino-acid change (glycine 343 retained).
Molecular consequence: synonymous variant. On other transcripts: non-coding transcript variant (1).
Genome position (GRCh38, 1-based): chr6:75,848,482, C>T. VCF-style: chr6-75848482-C-T. GRCh37 (hg19) VCF-style: chr6-76558199-C-T.
Other names: c.1029C>T, p.Gly343= (NM_001300899.2, NM_001368136.1, NM_001368137.1 and 2 more transcripts); c.1014C>T, p.Gly338= (NM_001368138.1).
Identifiers: ClinVar variation 908783 (VCV000908783.7), dbSNP rs752948085, ClinGen allele CA3897017.
Genomic context (GRCh38, chr6:75,848,482, plus strand): 5'-TATGAAAAAAATTGGTTTGGATGATGAAGAAAAGCTTGATCTCTTCCGGGTAGTAGCTGG[C>T]GTCCTGCACCTTGGAAATATTGATTTTGAGGAAGCTGGCAGCACTTCAGGTTTGCTTTTT-3'
Protein context (NP_004990.3, residues 333-353): EKLDLFRVVA[Gly343=]VLHLGNIDFE

ClinVar aggregate classification (germline): Conflicting classifications of pathogenicity. Review status: criteria provided, conflicting classifications (1 of 4 stars). 4 submissions from 3 submitters: Uncertain significance (2); Likely benign (2). Last evaluated 2025-11-25.

Conditions:
Autosomal recessive nonsyndromic hearing loss 37. Identifiers: Orphanet 90636, MedGen C1843028, MONDO:0011912, OMIM 607821.
Autosomal dominant nonsyndromic hearing loss 22. Also called: Autosomal dominant nonsyndromic deafness 22; DFNA 22. Identifiers: Orphanet 228012, MedGen C2931767, MONDO:0011660, OMIM 606346.

Allele frequency attached by ClinVar (database versions not stated): gnomAD 0.00004 and 0.00005; TOPMed 0.00005.
gnomAD v4.1: 251 of 1,613,536 alleles (0.016%); highest among the groups gnomAD compares: Middle Eastern, 0.066%; no homozygotes.

Submissions (4):

Labcorp Genetics (formerly Invitae), Labcorp
Classification: Likely benign. Last evaluated: 2025-11-25. Review status: criteria provided, single submitter. Criteria: Invitae Variant Classification Sherloc (09022015). Collection method: clinical testing. Allele origin: germline.

Women's Health and Genetics/Laboratory Corporation of America, LabCorp
Classification: Likely benign. Last evaluated: 2025-05-27. Review status: criteria provided, single submitter. Criteria: LabCorp Variant Classification Summary - May 2015. Collection method: clinical testing. Allele origin: germline.

Illumina Laboratory Services, Illumina
Classification: Uncertain significance for Autosomal recessive nonsyndromic hearing loss 37. Last evaluated: 2017-08-17. Review status: criteria provided, single submitter. Criteria: ICSL Variant Classification Criteria 13 December 2019. Collection method: clinical testing. Allele origin: germline.
Comment: This variant was observed as part of a predisposition screen in an ostensibly healthy population. A literature search was performed for the gene, cDNA change, and amino acid change (where applicable). Publications were found based on this search. However, the evidence from the literature, in combination with allele frequency data from public databases where available, was not sufficient to rule this variant in or out of causing disease. Therefore, this variant is classified as a variant of unknown significance.

Illumina Laboratory Services, Illumina
Classification: Uncertain significance for Autosomal dominant nonsyndromic hearing loss 22. Last evaluated: 2017-08-17. Review status: criteria provided, single submitter. Criteria: ICSL Variant Classification Criteria 13 December 2019. Collection method: clinical testing. Allele origin: germline.
Comment: the same text as in the submission from Illumina Laboratory Services, Illumina above.

Literature cited by the submitters: PubMed 11167014 (cited by Illumina Laboratory Services, Illumina).